The following is an entry in ClinVar:

ClinVar aggregate classification (germline): Uncertain significance (1 of 4 stars; one submission).

gnomAD v4.1: 3 of 1,613,936 alleles (0.00019%); highest among the groups gnomAD compares: African/African-American, 0.0027%; no homozygotes.

Submission:

GeneDx
Classification: Uncertain significance. Last evaluated: 2025-05-19. Review status: criteria provided, single submitter. Criteria: GeneDx Variant Classification Process June 2021. Collection method: clinical testing. Allele origin: germline. Affected: yes.
Comment: Not observed at significant frequency in large population cohorts (gnomAD); In silico analysis supports that this missense variant has a deleterious effect on protein structure/function; Has not been previously published as pathogenic or benign to our knowledge

NM_006922.4(SCN3A):c.5063A>G (p.Asp1688Gly)

Gene: SCN3A (sodium voltage-gated channel alpha subunit 3; minus strand). Cytogenetic location: 2q24.3.
Variant type: single nucleotide variant.
Coding change: c.5063A>G on transcript NM_006922.4 (MANE Select); coding-DNA position 5063, A replaced by G.
Protein change: p.Asp1688Gly; replaces aspartic acid 1688 with glycine.
Molecular consequence: missense variant.
Genome position (GRCh38, 1-based): chr2:165,091,090, T>C on the plus strand (A>G on the coding strand, the complement: SCN3A is on the minus strand). VCF-style: chr2-165091090-T-C. GRCh37 (hg19) VCF-style: chr2-165947600-T-C.
Other names: c.4916A>G, p.Asp1639Gly (NM_001081676.2, NM_001081677.2); short protein forms D1639G, D1688G.
Identifiers: ClinVar variation 4531071 (VCV004531071.1).
Genomic context (GRCh38, chr2:165,091,090, plus strand): 5'-GAGGTTGTAATTTGGAACAAGCAGATCATGCTGTTGCCAAAGGTCTCAAAGTTGAACATG[T>C]CATCAATTCCAGCTTCCTTTTTAACATAGGCAAAGTTGGACATCCCAAAGATGGCATAGA-3'
Protein context (NP_008853.3, residues 1678-1698): AYVKKEAGID[Asp1688Gly]MFNFETFGNS